The following is an entry in ClinVar:

NM_004447.6(EPS8):c.2009G>A (p.Arg670Gln)

Gene: EPS8 (EGFR pathway substrate 8, signaling adaptor; minus strand). Cytogenetic location: 12p12.3.
Variant type: single nucleotide variant.
Coding change: c.2009G>A on transcript NM_004447.6 (MANE Select); coding-DNA position 2009, G replaced by A.
Protein change: p.Arg670Gln; replaces arginine 670 with glutamine.
Molecular consequence: missense variant.
Genome position (GRCh38, 1-based): chr12:15,631,477, C>T on the plus strand (G>A on the coding strand, the complement: EPS8 is on the minus strand). VCF-style: chr12-15631477-C-T. GRCh37 (hg19) VCF-style: chr12-15784411-C-T.
Other names: c.2045G>A, p.Arg682Gln (NM_001413831.1); c.2009G>A, p.Arg670Gln (NM_001413832.1, NM_001413833.1, NM_001413834.1); c.1769G>A, p.Arg590Gln (NM_001413835.1, NM_001413836.1); c.1592G>A, p.Arg531Gln (NM_001413837.1); c.1229G>A, p.Arg410Gln (NM_001413838.1); c.2009G>A (NM_004447.5); short protein forms R410Q, R590Q, R670Q, R682Q, R531Q.
Identifiers: ClinVar variation 2188847 (VCV002188847.6), dbSNP rs368241843, ClinGen allele CA6467385.

ClinVar aggregate classification (germline): Uncertain significance. Review status: criteria provided, multiple submitters, no conflicts (2 of 4 stars). 3 submissions from 3 submitters: Uncertain significance (3). Last evaluated 2025-05-20.

Allele frequency attached by ClinVar (database versions not stated): ExAC 0.00002; ESP Exome Variant Server 0.00008; gnomAD 0.00008; TOPMed 0.00009; gnomAD exomes 0.00017.
gnomAD v4.1: 270 of 1,613,942 alleles (0.017%); highest among the groups gnomAD compares: Non-Finnish European, 0.021%; no homozygotes.

Submissions (3):

GeneDx
Classification: Uncertain significance. Last evaluated: 2025-05-20. Review status: criteria provided, single submitter. Criteria: GeneDx Variant Classification Process June 2021. Collection method: clinical testing. Allele origin: germline. Affected: yes.
Comment: In silico analysis suggests that this missense variant does not alter protein structure/function; Has not been previously published as pathogenic or benign to our knowledge

Blueprint Genetics
Classification: Uncertain significance. Last evaluated: 2024-06-05. Review status: criteria provided, single submitter. Criteria: ACMG Guidelines, 2015. Collection method: clinical testing. Allele origin: germline.

Labcorp Genetics (formerly Invitae), Labcorp
Classification: Uncertain significance. Last evaluated: 2022-08-09. Review status: criteria provided, single submitter. Criteria: Invitae Variant Classification Sherloc (09022015). Collection method: clinical testing. Allele origin: germline.
Comment: In summary, the available evidence is currently insufficient to determine the role of this variant in disease. Therefore, it has been classified as a Variant of Uncertain Significance. Algorithms developed to predict the effect of missense changes on protein structure and function (SIFT, PolyPhen-2, Align-GVGD) all suggest that this variant is likely to be tolerated. This variant has not been reported in the literature in individuals affected with EPS8-related conditions. This variant is present in population databases (rs368241843, gnomAD 0.009%). This sequence change replaces arginine, which is basic and polar, with glutamine, which is neutral and polar, at codon 670 of the EPS8 protein (p.Arg670Gln).